The following is an entry in ClinVar:

NM_001145026.2(PTPRQ):c.3874-6T>A

Gene: PTPRQ (protein tyrosine phosphatase receptor type Q; plus strand). Cytogenetic location: 12q21.31.
Variant type: single nucleotide variant.
Coding change: c.3874-6T>A on transcript NM_001145026.2 (MANE Select); 6 bases into the intron before coding-DNA position 3874, T replaced by A.
Molecular consequence: intron variant.
Genome position (GRCh38, 1-based): chr12:80,546,550, T>A. VCF-style: chr12-80546550-T-A. GRCh37 (hg19) VCF-style: chr12-80940329-T-A.
Identifiers: ClinVar variation 1810498 (VCV001810498.2), dbSNP rs1427651698, ClinGen allele CA606220847.

ClinVar aggregate classification (germline): Uncertain significance (1 of 4 stars; one submission).

Allele frequency attached by ClinVar (database versions not stated): gnomAD exomes 0.00001; gnomAD 0.00001; TOPMed below 0.00001.
gnomAD v4.1: 11 of 1,538,114 alleles (0.00072%); highest among the groups gnomAD compares: Non-Finnish European, 0.00096%; no homozygotes.

Submission:

GeneDx
Classification: Uncertain significance. Last evaluated: 2025-03-05. Review status: criteria provided, single submitter. Criteria: GeneDx Variant Classification Process June 2021. Collection method: clinical testing. Allele origin: germline.
Comment: Not observed at significant frequency in large population cohorts (gnomAD); In silico analysis indicates that this variant does not alter splicing; Has not been previously published as pathogenic or benign to our knowledge